The following is an entry in ClinVar:

NM_000104.4(CYP1B1):c.868del (p.Arg290fs)

Gene: CYP1B1 (cytochrome P450 family 1 subfamily B member 1; minus strand). Cytogenetic location: 2p22.2.
Variant type: Deletion.
Coding change: c.868del on transcript NM_000104.4 (MANE Select); coding-DNA position 868, one base deleted (C; older notation c.868delC).
Protein change: p.Arg290fs; shifts the reading frame from arginine 290.
Molecular consequence: frameshift variant.
Genome position (GRCh38, 1-based): chr2:38,074,521, G deleted on the plus strand (C on the coding strand, the reverse complement: CYP1B1 is on the minus strand); the first of 6 consecutive G bases (chr2:38,074,521-38,074,526); deleting any one gives the same sequence. VCF-style (leftmost placement, unchanged base first): chr2-38074520-CG-C. GRCh37 (hg19) VCF-style: chr2-38301663-CG-C.
Other names: short protein forms R290fs.
Identifiers: ClinVar variation 2681137 (VCV002681137.4), dbSNP rs587778875, ClinGen allele CA1029495094.

ClinVar aggregate classification (germline): Pathogenic. Review status: criteria provided, multiple submitters, no conflicts (2 of 4 stars). 2 submissions from 2 submitters: Pathogenic (2). Last evaluated 2023-03-08.

Conditions:
Congenital glaucoma. Identifiers: MedGen C0020302, MONDO:0020366.
Anterior segment dysgenesis 6 (ASGD6). Also called: Anterior segment dysgenesis 6, multiple subtypes. Identifiers: MedGen C4310623, MONDO:0015016, OMIM 617315.

Submissions (2):

Labcorp Genetics (formerly Invitae), Labcorp
Classification: Pathogenic for Congenital glaucoma. Last evaluated: 2023-03-08. Review status: criteria provided, single submitter. Criteria: Invitae Variant Classification Sherloc (09022015). Collection method: clinical testing. Allele origin: germline.
Comment: For these reasons, this variant has been classified as Pathogenic. This variant has not been reported in the literature in individuals affected with CYP1B1-related conditions. This variant is not present in population databases (gnomAD no frequency). This sequence change creates a premature translational stop signal (p.Arg290Alafs*3) in the CYP1B1 gene. It is expected to result in an absent or disrupted protein product. Loss-of-function variants in CYP1B1 are known to be pathogenic (PMID: 9097971, 9497261, 19234632).

Baylor Genetics
Classification: Pathogenic for Anterior segment dysgenesis 6. Last evaluated: 2022-11-07. Review status: criteria provided, single submitter. Criteria: ACMG Guidelines, 2015. Collection method: clinical testing. Allele origin: unknown.

Literature cited by the submitters: PubMed 9097971 (cited by Labcorp Genetics (formerly Invitae), Labcorp); PubMed 9497261 (cited by Labcorp Genetics (formerly Invitae), Labcorp); PubMed 19234632 (cited by Labcorp Genetics (formerly Invitae), Labcorp).